The following is an entry in ClinVar:

NM_001271458.2(POU2AF3):c.8-636G>A

Genes: COLCA1 (colorectal cancer associated 1; minus strand), POU2AF3 (POU class 2 homeobox associating factor 3; plus strand). Cytogenetic location: 11q23.1.
Variant type: single nucleotide variant.
Coding change: c.8-636G>A on transcript NM_001271458.2 (MANE Select); 636 bases into the intron before coding-DNA position 8, G replaced by A.
Molecular consequence: intron variant. On other transcripts: 5 prime UTR variant (1).
Genome position (GRCh38, 1-based): chr11:111,299,891, G>A. VCF-style: chr11-111299891-G-A. GRCh37 (hg19) VCF-style: chr11-111170616-G-A.
Other names: c.-411G>A (NM_001370484.1); c.-284-636G>A (NM_001271457.2); c.-285+167G>A (NM_001136105.3).
Identifiers: ClinVar variation 2642363 (VCV002642363.24), dbSNP rs139339657, ClinGen allele CA13524402.

ClinVar aggregate classification (germline): Benign (1 of 4 stars; one submission).

Allele frequency attached by ClinVar (database versions not stated): 1000 Genomes Project 0.00419; 1000 Genomes Project 30x 0.00422; TOPMed 0.00713; gnomAD 0.00778; gnomAD exomes 0.01069.
gnomAD v4.1: 4,687 of 477,620 alleles (0.98%); highest among the groups gnomAD compares: Non-Finnish European, 1.3%; 29 homozygotes.

Submission:

CeGaT Center for Human Genetics Tuebingen
Classification: Benign. Last evaluated: 2023-01-01. Review status: criteria provided, single submitter. Criteria: CeGaT Center For Human Genetics Tuebingen Variant Classification Criteria Version 2. Collection method: clinical testing. Allele origin: germline. Affected: yes. Observed: 1 variant allele.
Comment: COLCA1: BS1, BS2; POU2AF3: BS1, BS2